The following is an entry in ClinVar:

NM_018669.6(WDR4):c.1189G>A (p.Asp397Asn)

Gene: WDR4 (WDR4 tRNA N7-guanosine methyltransferase non-catalytic subunit; minus strand). Cytogenetic location: 21q22.3.
Variant type: single nucleotide variant.
Coding change: c.1189G>A on transcript NM_018669.6 (MANE Select); coding-DNA position 1189, G replaced by A.
Protein change: p.Asp397Asn; replaces aspartic acid 397 with asparagine.
Molecular consequence: missense variant. On other transcripts: non-coding transcript variant (1).
Genome position (GRCh38, 1-based): chr21:42,850,099, C>T on the plus strand (G>A on the coding strand, the complement: WDR4 is on the minus strand). VCF-style: chr21-42850099-C-T. GRCh37 (hg19) VCF-style: chr21-44270209-C-T.
Other names: c.1186G>A, p.Asp396Asn (NM_001260474.2); c.751G>A, p.Asp251Asn (NM_001260475.2, NM_001260476.2, NM_001260477.2 and 1 more transcripts); c.1189G>A, p.Asp397Asn (NM_033661.5); c.1189G>A (NM_018669.4); short protein forms D251N, D396N, D397N.
Identifiers: ClinVar variation 2202110 (VCV002202110.2), dbSNP rs370431009, ClinGen allele CA10045756.

ClinVar aggregate classification (germline): Conflicting classifications of pathogenicity. Review status: criteria provided, conflicting classifications (1 of 4 stars). 2 submissions from 2 submitters: Uncertain significance (1); Likely benign (1). Last evaluated 2024-02-12.

Conditions:
Inborn genetic diseases. Identifiers: MedGen C0950123, MeSH D030342.

gnomAD v4.1: 45 of 1,613,948 alleles (0.0028%); highest among the groups gnomAD compares: South Asian, 0.0044%; 1 homozygote.

Submissions (2):

Ambry Genetics
Classification: Likely benign for Inborn genetic diseases. Last evaluated: 2024-02-12. Review status: criteria provided, single submitter. Criteria: Ambry Variant Classification Scheme 2023. Collection method: clinical testing. Allele origin: germline.

Labcorp Genetics (formerly Invitae), Labcorp
Classification: Uncertain significance. Last evaluated: 2022-09-19. Review status: criteria provided, single submitter. Criteria: Invitae Variant Classification Sherloc (09022015). Collection method: clinical testing. Allele origin: germline.
Comment: This sequence change replaces aspartic acid, which is acidic and polar, with asparagine, which is neutral and polar, at codon 397 of the WDR4 protein (p.Asp397Asn). This variant is present in population databases (rs370431009, gnomAD 0.004%). This variant has not been reported in the literature in individuals affected with WDR4-related conditions. Algorithms developed to predict the effect of missense changes on protein structure and function output the following: SIFT: "Tolerated"; PolyPhen-2: "Benign"; Align-GVGD: "Class C0". The asparagine amino acid residue is found in multiple mammalian species, which suggests that this missense change does not adversely affect protein function. In summary, the available evidence is currently insufficient to determine the role of this variant in disease. Therefore, it has been classified as a Variant of Uncertain Significance.